The following is an entry in ClinVar:

NM_000273.3(GPR143):c.187_188del (p.Ser63fs)

Gene: GPR143 (G protein-coupled receptor 143; minus strand). Cytogenetic location: Xp22.2.
Variant type: Deletion.
Coding change: c.187_188del on transcript NM_000273.3 (MANE Select); coding-DNA positions 187 to 188, 2 bases deleted (TC; older notation c.187_188delTC).
Protein change: p.Ser63fs; shifts the reading frame from serine 63.
Molecular consequence: frameshift variant.
Genome position (GRCh38, 1-based): chrX:9,765,630-9,765,631, GA deleted on the plus strand (TC on the coding strand, the reverse complement: GPR143 is on the minus strand). VCF-style (leftmost placement, unchanged base first): chrX-9765629-GGA-G. GRCh37 (hg19) VCF-style: chrX-9733669-GGA-G.
Other names: short protein forms S63fs.
Identifiers: ClinVar variation 1435742 (VCV001435742.6), dbSNP rs2146705785, ClinGen allele CA2573159674.

ClinVar aggregate classification (germline): Pathogenic (1 of 4 stars; one submission).

Submission:

Labcorp Genetics (formerly Invitae), Labcorp
Classification: Pathogenic. Last evaluated: 2022-03-10. Review status: criteria provided, single submitter. Criteria: Invitae Variant Classification Sherloc (09022015). Collection method: clinical testing. Allele origin: germline.
Comment: For these reasons, this variant has been classified as Pathogenic. This variant has not been reported in the literature in individuals affected with GPR143-related conditions. The frequency data for this variant in the population databases is considered unreliable, as metrics indicate insufficient coverage at this position in the gnomAD database. This sequence change creates a premature translational stop signal (p.Ser63Profs*37) in the GPR143 gene. It is expected to result in an absent or disrupted protein product. Loss-of-function variants in GPR143 are known to be pathogenic (PMID: 15965158, 18978956, 19390656, 21541274, 26160353, 28211458).

Literature cited by the submitters: PubMed 15965158; PubMed 18978956; PubMed 19390656; PubMed 21541274; PubMed 26160353; PubMed 28211458.